The following is an entry in ClinVar:

NM_000256.3(MYBPC3):c.2537T>A (p.Val846Asp)

Gene: MYBPC3 (myosin binding protein C3; minus strand). Cytogenetic location: 11p11.2.
Variant type: single nucleotide variant.
Coding change: c.2537T>A on transcript NM_000256.3 (MANE Select); coding-DNA position 2537, T replaced by A.
Protein change: p.Val846Asp; replaces valine 846 with aspartic acid.
Molecular consequence: missense variant.
Genome position (GRCh38, 1-based): chr11:47,337,456, A>T on the plus strand (T>A on the coding strand, the complement: MYBPC3 is on the minus strand). VCF-style: chr11-47337456-A-T. GRCh37 (hg19) VCF-style: chr11-47359007-A-T.
Other names: c.2537T>A, p.Val846Asp (LRG_386t1); short protein forms V846D.
Identifiers: ClinVar variation 36606 (VCV000036606.5), dbSNP rs193922379, ClinGen allele CA012545.

ClinVar aggregate classification (germline): Uncertain significance. Review status: criteria provided, multiple submitters, no conflicts (2 of 4 stars). 3 submissions from 3 submitters: Uncertain significance (3). Last evaluated 2025-06-04.

Conditions:
Hypertrophic cardiomyopathy. Also called: HYPERTROPHIC MYOCARDIOPATHY. Identifiers: Orphanet 217569, MedGen C0007194, MeSH D002312, MONDO:0005045, HP:0001639.

gnomAD v4.1: 1 of 1,613,480 alleles (0.000062%); highest among the groups gnomAD compares: Non-Finnish European, 0.000085%; no homozygotes.

Submissions (3):

Labcorp Genetics (formerly Invitae), Labcorp
Classification: Uncertain significance for Hypertrophic cardiomyopathy. Last evaluated: 2025-06-04. Review status: criteria provided, single submitter. Criteria: Invitae Variant Classification Sherloc (09022015). Collection method: clinical testing. Allele origin: germline.
Comment: This sequence change replaces valine, which is neutral and non-polar, with aspartic acid, which is acidic and polar, at codon 846 of the MYBPC3 protein (p.Val846Asp). This variant is not present in population databases (gnomAD no frequency). This variant has not been reported in the literature in individuals affected with MYBPC3-related conditions. ClinVar contains an entry for this variant (Variation ID: 36606). An algorithm developed to predict the effect of missense changes on protein structure and function (PolyPhen-2) suggests that this variant is likely to be disruptive. In summary, the available evidence is currently insufficient to determine the role of this variant in disease. Therefore, it has been classified as a Variant of Uncertain Significance.

GeneDx
Classification: Uncertain significance. Last evaluated: 2019-10-18. Review status: criteria provided, single submitter. Criteria: GeneDx Variant Classification Process June 2021. Collection method: clinical testing. Allele origin: germline. Affected: yes.
Comment: Not observed in large population cohorts (Lek et al., 2016); In silico analysis, which includes protein predictors and evolutionary conservation, supports a deleterious effect; Has not been previously published as pathogenic or benign to our knowledge

Women's Health and Genetics/Laboratory Corporation of America, LabCorp
Classification: Uncertain significance. Last evaluated: 2016-08-09. Review status: criteria provided, single submitter. Criteria: LabCorp Variant Classification Summary - May 2015. Collection method: clinical testing. Allele origin: germline.
Comment: Variant summary: The MYBPC3 c.2537T>A (p.Val846Asp) variant causes a missense change involving a conserved nucleotide with 5/5 in silico tools predicting a damaging outcome, although these predictions have yet to be functionally assesed. The variant of interest has not been observed in controls (ExAC, 1000 Gs, or ESP), nor has it been, to our knowledge, reported in affected individuals via publications and/or reputable databases/clinical laboratories. Therefore, due to the limited available evidence (ie, lack of clinical and functional studies), the variant of interest has been classified as a "Variant of Uncertain Significance (VUS)," until additional information becomes available.